The following is an entry in ClinVar:

NM_000827.4(GRIA1):c.1151A>C (p.Glu384Ala)

Gene: GRIA1 (glutamate ionotropic receptor AMPA type subunit 1; plus strand). Cytogenetic location: 5q33.2.
Variant type: single nucleotide variant.
Coding change: c.1151A>C on transcript NM_000827.4 (MANE Select); coding-DNA position 1151, A replaced by C.
Protein change: p.Glu384Ala; replaces glutamic acid 384 with alanine.
Molecular consequence: missense variant. On other transcripts: non-coding transcript variant (2).
Genome position (GRCh38, 1-based): chr5:153,698,060, A>C. VCF-style: chr5-153698060-A-C. GRCh37 (hg19) VCF-style: chr5-153077620-A-C.
Other names: c.1151A>C, p.Glu384Ala (NM_001114183.2); c.911A>C, p.Glu304Ala (NM_001258019.2); c.866A>C, p.Glu289Ala (NM_001258020.2); c.1181A>C, p.Glu394Ala (NM_001258021.2, NM_001258022.2); c.944A>C, p.Glu315Ala (NM_001258023.1, NM_001364167.2); c.983A>C, p.Glu328Ala (NM_001364165.2); c.1178A>C, p.Glu393Ala (NM_001364166.2); short protein forms E384A, E289A, E304A, E328A, E394A, E315A, E393A.
Identifiers: ClinVar variation 3731284 (VCV003731284.1).

ClinVar aggregate classification (germline): Uncertain significance (1 of 4 stars; one submission).

Conditions:
Intellectual developmental disorder, autosomal recessive 76 (MRT76). Also called: MENTAL RETARDATION, AUTOSOMAL RECESSIVE 76. Identifiers: MedGen C5677007, MONDO:0030968, OMIM 619931.

Submission:

Neuberg Centre For Genomic Medicine, NCGM
Classification: Uncertain significance for Intellectual developmental disorder, autosomal recessive 76. Review status: criteria provided, single submitter. Criteria: ACMG Guidelines, 2015. Collection method: clinical testing. Allele origin: germline. Inheritance: Autosomal recessive inheritance. Affected: yes.
Comment: The observed missense variant c.1151A>C(p.Glu384Ala) in GRIA1 gene has not been reported previously as a pathogenic variant nor as a benign variant, to our knowledge. This variant is absent in gnomAD Exomes. The amino acid Glu at position 384 is changed to a Ala changing protein sequence and it might alter its composition and physico-chemical properties. Computational evidence (Polyphen-Benign, SIFT-Damaging and MutationTaster-Disease causing) predicts conflicting evidence on protein structure and function for this variant. The reference amino acid p.Glu384Ala in GRIA1 is predicted as conserved by GERP++ and PhyloP across 100 vertebrates. For these reasons, this variant has been classified as Uncertain Significance.